The following is an entry in ClinVar:

NM_000384.3(APOB):c.4117T>C (p.Tyr1373His)

Gene: APOB (apolipoprotein B; minus strand). Cytogenetic location: 2p24.1.
Variant type: single nucleotide variant.
Coding change: c.4117T>C on transcript NM_000384.3 (MANE Select); coding-DNA position 4117, T replaced by C.
Protein change: p.Tyr1373His; replaces tyrosine 1373 with histidine.
Molecular consequence: missense variant.
Genome position (GRCh38, 1-based): chr2:21,013,259, A>G on the plus strand (T>C on the coding strand, the complement: APOB is on the minus strand). VCF-style: chr2-21013259-A-G. GRCh37 (hg19) VCF-style: chr2-21236131-A-G.
Other names: short protein forms Y1373H.
Identifiers: ClinVar variation 4082800 (VCV004082800.2).
Genomic context (GRCh38, chr2:21,013,259, plus strand): 5'-CCTTCATGTGGTAACGAGCCCGAAGGCTGAAATGGTCTGTGCTGGTGTTGCCACCACTGT[A>G]GGAGGCGGACCAGTTGTACAAGTTGCTGTAGACATTCGTGGAGAGGTCTAGAACACCCAG-3'
Protein context (NP_000375.3, residues 1363-1383): YSNLYNWSAS[Tyr1373His]SGGNTSTDHF

ClinVar aggregate classification (germline): Uncertain significance. Review status: criteria provided, multiple submitters, no conflicts (2 of 4 stars). 2 submissions from 2 submitters: Uncertain significance (2). Last evaluated 2025-10-26.

Conditions:
Cardiovascular phenotype. Identifiers: MedGen CN230736.

Submissions (2):

Ambry Genetics
Classification: Uncertain significance for Cardiovascular phenotype. Last evaluated: 2025-10-26. Review status: criteria provided, single submitter. Criteria: Ambry Variant Classification Scheme 2023. Collection method: clinical testing. Allele origin: germline.
Comment: The p.Y1373H variant (also known as c.4117T>C), located in coding exon 25 of the APOB gene, results from a T to C substitution at nucleotide position 4117. The tyrosine at codon 1373 is replaced by histidine, an amino acid with similar properties. This amino acid position is conserved. In addition, this alteration is predicted to be tolerated by in silico analysis. Based on the available evidence, the clinical significance of this variant remains unclear.

GeneDx
Classification: Uncertain significance. Last evaluated: 2025-03-04. Review status: criteria provided, single submitter. Criteria: GeneDx Variant Classification Process June 2021. Collection method: clinical testing. Allele origin: germline. Affected: yes.
Comment: Not observed at significant frequency in large population cohorts (gnomAD); In silico analysis supports that this missense variant has a deleterious effect on protein structure/function; Has not been previously published as pathogenic or benign to our knowledge